The following is an entry in ClinVar:

NM_023110.3(FGFR1):c.658G>C (p.Val220Leu)

Gene: FGFR1 (fibroblast growth factor receptor 1; minus strand). Cytogenetic location: 8p11.23.
Variant type: single nucleotide variant.
Coding change: c.658G>C on transcript NM_023110.3 (MANE Select); coding-DNA position 658, G replaced by C.
Protein change: p.Val220Leu; replaces valine 220 with leucine.
Molecular consequence: missense variant.
Genome position (GRCh38, 1-based): chr8:38,426,209, C>G on the plus strand (G>C on the coding strand, the complement: FGFR1 is on the minus strand). VCF-style: chr8-38426209-C-G. GRCh37 (hg19) VCF-style: chr8-38283727-C-G.
Other names: c.658G>C, p.Val220Leu (NM_000604.2, NM_001174063.2); c.634G>C, p.Val212Leu (NM_001174064.2); c.652G>C, p.Val218Leu (NM_001174065.2, NM_001354367.2, NM_001354369.2 and 2 more transcripts); c.391G>C, p.Val131Leu (NM_001174066.2, NM_023105.3); c.751G>C, p.Val251Leu (NM_001174067.2); c.385G>C, p.Val129Leu (NM_001354368.2, NM_001354370.2, NM_023106.3); short protein forms V251L, V129L, V131L, V220L, V212L, V218L.
Identifiers: ClinVar variation 2944899 (VCV002944899.3), dbSNP rs2150864059, ClinGen allele CA370735395.

ClinVar aggregate classification (germline): Uncertain significance (1 of 4 stars; one submission).

Conditions:
Hypogonadotropic hypogonadism 2 with or without anosmia (HH2). Also called: FGFR1-Related GnRH Deficiency (Kallmann Syndrome 2); HYPOGONADOTROPIC HYPOGONADISM 2 WITH OR WITHOUT ANOSMIA, SUSCEPTIBILITY TO; HYPOGONADOTROPIC HYPOGONADISM 2 WITHOUT ANOSMIA, SUSCEPTIBILITY TO; HYPOGONADOTROPIC HYPOGONADISM 2 WITHOUT ANOSMIA. Identifiers: Orphanet 478, MedGen C1563720, MONDO:0007844, OMIM 147950. Disease mechanism: loss of function.
Pfeiffer syndrome (ACS5). Also called: ACS V. Identifiers: Orphanet 710, MedGen C0220658, MONDO:0007043, OMIM 101600.

Submission:

Labcorp Genetics (formerly Invitae), Labcorp
Classification: Uncertain significance for Pfeiffer syndrome; Hypogonadotropic hypogonadism 2 with or without anosmia. Last evaluated: 2023-03-27. Review status: criteria provided, single submitter. Criteria: Invitae Variant Classification Sherloc (09022015). Collection method: clinical testing. Allele origin: germline.
Comment: This sequence change replaces valine, which is neutral and non-polar, with leucine, which is neutral and non-polar, at codon 220 of the FGFR1 protein (p.Val220Leu). This variant is not present in population databases (gnomAD no frequency). This variant has not been reported in the literature in individuals affected with FGFR1-related conditions. Advanced modeling of protein sequence and biophysical properties (such as structural, functional, and spatial information, amino acid conservation, physicochemical variation, residue mobility, and thermodynamic stability) has been performed at Invitae for this missense variant, however the output from this modeling did not meet the statistical confidence thresholds required to predict the impact of this variant on FGFR1 protein function. In summary, the available evidence is currently insufficient to determine the role of this variant in disease. Therefore, it has been classified as a Variant of Uncertain Significance.